The following is an entry in ClinVar:

GRCh38/hg38 2q13(chr2:109740565-110222718)x1

Genes: LIMS3 (LIM zinc finger domain containing 3; plus strand), LIMS3-LOC440895 (LIMS3-LOC440895 readthrough; plus strand), LINC01123 (long intergenic non-protein coding RNA 1123; plus strand), MALL (mal, T cell differentiation protein like; minus strand), MIR4267 (microRNA 4267; minus strand) and 10 more. Cytogenetic location: 2q13.
Variant type: copy number loss.
Change: copy number 1 (one copy instead of two) of chr2:109,740,565-110,222,718 (482.2 kb, GRCh38 coordinates, 1-based), cytogenetic band 2q13.
Identifiers: ClinVar variation 4796223 (VCV004796223.1).

ClinVar aggregate classification (germline): Uncertain significance (1 of 4 stars; one submission).

Submission:

Medical Genetic Center, Changzhi Maternal and Child Health Care Hospital
Classification: Uncertain significance. Last evaluated: 2025-12-10. Review status: criteria provided, single submitter. Criteria: ACMG/ClinGen CNV Guidelines, 2019. Collection method: clinical testing. Allele origin: unknown.